The following is an entry in ClinVar:

ClinVar aggregate classification (germline): Uncertain significance (1 of 4 stars; one submission).

Conditions:
Intellectual developmental disorder, autosomal dominant 52. Also called: Mental retardation, autosomal dominant 52; Intellectual disability, autosomal dominant 52. Identifiers: MedGen C4540478, MONDO:0030918, OMIM 617796.

Allele frequency attached by ClinVar (database versions not stated): ExAC 0.00001; TOPMed 0.00001.
gnomAD v4.1: 2 of 1,613,544 alleles (0.00012%); highest among the groups gnomAD compares: South Asian, 0.0022%; no homozygotes.

Submission:

Baylor Genetics
Classification: Uncertain significance for Intellectual developmental disorder, autosomal dominant 52. Last evaluated: 2018-11-16. Review status: criteria provided, single submitter. Criteria: ACMG Guidelines, 2015. Collection method: clinical testing. Allele origin: paternal. Affected: yes.
Comment: This variant was determined to be of uncertain significance according to ACMG Guidelines, 2015 [PMID:25741868].

NM_018489.3(ASH1L):c.3917G>A (p.Arg1306Gln)

Gene: ASH1L (ASH1 like histone lysine methyltransferase; minus strand). Cytogenetic location: 1q22.
Variant type: single nucleotide variant.
Coding change: c.3917G>A on transcript NM_018489.3 (MANE Select); coding-DNA position 3917, G replaced by A.
Protein change: p.Arg1306Gln; replaces arginine 1306 with glutamine.
Molecular consequence: missense variant.
Genome position (GRCh38, 1-based): chr1:155,478,953, C>T on the plus strand (G>A on the coding strand, the complement: ASH1L is on the minus strand). VCF-style: chr1-155478953-C-T. GRCh37 (hg19) VCF-style: chr1-155448744-C-T.
Other names: c.3917G>A, p.Arg1306Gln (NM_001366177.2); short protein forms R1306Q.
Identifiers: ClinVar variation 1033490 (VCV001033490.1), dbSNP rs758885213, ClinGen allele CA1147011.